The following is an entry in ClinVar:

NM_000697.3(ALOX12):c.349G>C (p.Gly117Arg)

Genes: ALOX12 (arachidonate 12-lipoxygenase, 12S type; plus strand), ALOX12-AS1 (ALOX12 antisense RNA 1; minus strand). Cytogenetic location: 17p13.1.
Variant type: single nucleotide variant.
Coding change: c.349G>C on transcript NM_000697.3 (MANE Select); coding-DNA position 349, G replaced by C.
Protein change: p.Gly117Arg; replaces glycine 117 with arginine.
Molecular consequence: missense variant.
Genome position (GRCh38, 1-based): chr17:6,998,520, G>C. VCF-style: chr17-6998520-G-C. GRCh37 (hg19) VCF-style: chr17-6901839-G-C.
Other names: short protein forms G117R.
Identifiers: ClinVar variation 2647316 (VCV002647316.24), dbSNP rs145526271, ClinGen allele CA8333185.

ClinVar aggregate classification (germline): Likely benign (1 of 4 stars; one submission).

Allele frequency attached by ClinVar (database versions not stated): ExAC 0.00047; ESP Exome Variant Server 0.00108; gnomAD 0.00120; TOPMed 0.00137; 1000 Genomes Project 0.00180; 1000 Genomes Project 30x 0.00203.
gnomAD v4.1: 440 of 1,613,590 alleles (0.027%); highest among the groups gnomAD compares: African/African-American, 0.39%; 3 homozygotes.

Submission:

CeGaT Center for Human Genetics Tuebingen
Classification: Likely benign. Last evaluated: 2022-04-01. Review status: criteria provided, single submitter. Criteria: CeGaT Center For Human Genetics Tuebingen Variant Classification Criteria Version 2. Collection method: clinical testing. Allele origin: germline. Affected: yes. Observed: 1 variant allele.
Comment: ALOX12: BP4